The following is an entry in ClinVar:

NM_017780.4(CHD7):c.2656C>T (p.Arg886Trp)

Gene: CHD7 (chromodomain helicase DNA binding protein 7; plus strand). Cytogenetic location: 8q12.2.
Variant type: single nucleotide variant.
Coding change: c.2656C>T on transcript NM_017780.4 (MANE Select); coding-DNA position 2656, C replaced by T.
Protein change: p.Arg886Trp; replaces arginine 886 with tryptophan.
Molecular consequence: missense variant. On other transcripts: intron variant (1).
Genome position (GRCh38, 1-based): chr8:60,820,049, C>T. VCF-style: chr8-60820049-C-T. GRCh37 (hg19) VCF-style: chr8-61732608-C-T.
Other names: c.1716+38999C>T (NM_001316690.1); short protein forms R886W.
Identifiers: ClinVar variation 1183087 (VCV001183087.5), dbSNP rs772260091, ClinGen allele CA371306754.

ClinVar aggregate classification (germline): Conflicting classifications of pathogenicity. Review status: criteria provided, conflicting classifications (1 of 4 stars). 3 submissions from 3 submitters: Pathogenic (1); Uncertain significance (2). Last evaluated 2024-04-16.

Conditions:
CHARGE syndrome (CHARGE). Also called: Hittner Hirsch Kreh syndrome; CHARGE ASSOCIATION--COLOBOMA, HEART ANOMALY, CHOANAL ATRESIA, RETARDATION, GENITAL AND EAR ANOMALIES; Coloboma, heart anomaly, choanal atresia, retardation, genital and ear anomalies; CHARGE association; Hall-Hittner syndrome. Identifiers: Orphanet 138, MedGen C0265354, MONDO:0008965.
Hypogonadotropic hypogonadism 5 with or without anosmia (KAL5). Also called: HYPOGONADOTROPIC HYPOGONADISM 5 WITH ANOSMIA; HYPOGONADOTROPHIC HYPOGONADISM 5 WITHOUT ANOSMIA; CHD7-Related GnRH Deficiency (Kallmann Syndrome 5). Identifiers: Orphanet 478, MedGen C3552553, MONDO:0012880, OMIM 612370. Disease mechanism: loss of function.

Allele frequency attached by ClinVar (database versions not stated): gnomAD 0.00001.

Submissions (3):

Labcorp Genetics (formerly Invitae), Labcorp
Classification: Pathogenic for CHARGE syndrome. Last evaluated: 2024-04-16. Review status: criteria provided, single submitter. Criteria: Invitae Variant Classification Sherloc (09022015). Collection method: clinical testing. Allele origin: germline.
Comment: This sequence change replaces arginine, which is basic and polar, with tryptophan, which is neutral and slightly polar, at codon 886 of the CHD7 protein (p.Arg886Trp). This variant is not present in population databases (gnomAD no frequency). This missense change has been observed in individuals with clinical features of Kallmann syndrome (PMID: 25077900, 30098700, 35047002). ClinVar contains an entry for this variant (Variation ID: 1183087). Advanced modeling of protein sequence and biophysical properties (such as structural, functional, and spatial information, amino acid conservation, physicochemical variation, residue mobility, and thermodynamic stability) performed at Invitae indicates that this missense variant is expected to disrupt CHD7 protein function with a positive predictive value of 95%. For these reasons, this variant has been classified as Pathogenic.

Fulgent Genetics
Classification: Uncertain significance for CHD7-related CHARGE syndrome; Hypogonadotropic hypogonadism 5 with or without anosmia. Last evaluated: 2021-09-08. Review status: criteria provided, single submitter. Criteria: ACMG Guidelines, 2015. Collection method: clinical testing. Allele origin: unknown.

GeneDx
Classification: Uncertain significance. Last evaluated: 2019-11-27. Review status: criteria provided, single submitter. Criteria: GeneDx Variant Classification Process June 2021. Collection method: clinical testing. Allele origin: germline. Affected: yes.
Comment: In silico analysis, which includes protein predictors and evolutionary conservation, supports a deleterious effect; No data available from control populations to assess the frequency of this variant; Identified in unrelated patients with hypogonadotrophic hypogonadism and Kallmann syndrome in published literature (Marcos et al., 2014; Zhou et al., 2018); This variant is associated with the following publications: (PMID: 30098700, 25077900)

Literature cited by the submitters: PubMed 25077900 (cited by Labcorp Genetics (formerly Invitae), Labcorp); PubMed 30098700 (cited by Labcorp Genetics (formerly Invitae), Labcorp); PubMed 35047002 (cited by Labcorp Genetics (formerly Invitae), Labcorp).